The following is an entry in ClinVar:

ClinVar aggregate classification (germline): Uncertain significance (1 of 4 stars; one submission).

Allele frequency attached by ClinVar (database versions not stated): gnomAD 0.00006; TOPMed 0.00006; 1000 Genomes Project 30x 0.00016; 1000 Genomes Project 0.00020; ESP Exome Variant Server 0.00022.

Submission:

Labcorp Genetics (formerly Invitae), Labcorp
Classification: Uncertain significance. Last evaluated: 2025-08-18. Review status: criteria provided, single submitter. Criteria: Invitae Variant Classification Sherloc (09022015). Collection method: clinical testing. Allele origin: germline.
Comment: This sequence change replaces methionine, which is neutral and non-polar, with valine, which is neutral and non-polar, at codon 1613 of the UNC80 protein (p.Met1613Val). This variant is present in population databases (rs368116440, gnomAD 0.04%). This variant has not been reported in the literature in individuals affected with UNC80-related conditions. ClinVar contains an entry for this variant (Variation ID: 2171401). Invitae Evidence Modeling of protein sequence and biophysical properties (such as structural, functional, and spatial information, amino acid conservation, physicochemical variation, residue mobility, and thermodynamic stability) indicates that this missense variant is not expected to disrupt UNC80 protein function with a negative predictive value of 80%. In summary, the available evidence is currently insufficient to determine the role of this variant in disease. Therefore, it has been classified as a Variant of Uncertain Significance.

NM_001371986.1(UNC80):c.5035A>G (p.Met1679Val)

Genes: UNC80 (unc-80 subunit of NALCN channel complex; plus strand), LOC126806490 (P300/CBP strongly-dependent group 1 enhancer GRCh37_chr2:210782411-210783610; plus strand). Cytogenetic location: 2q34.
Variant type: single nucleotide variant.
Coding change: c.5035A>G on transcript NM_001371986.1 (MANE Select); coding-DNA position 5035, A replaced by G.
Protein change: p.Met1679Val; replaces methionine 1679 with valine.
Molecular consequence: missense variant.
Genome position (GRCh38, 1-based): chr2:209,917,782, A>G. VCF-style: chr2-209917782-A-G. GRCh37 (hg19) VCF-style: chr2-210782506-A-G.
Other names: c.4837A>G, p.Met1613Val (NM_032504.2); c.4822A>G, p.Met1608Val (NM_182587.4); short protein forms M1613V, M1608V, M1679V.
Identifiers: ClinVar variation 2171401 (VCV002171401.2), dbSNP rs368116440, ClinGen allele CA65040191.